The following is an entry in ClinVar:

NM_018896.5(CACNA1G):c.6887G>A (p.Gly2296Glu)

Gene: CACNA1G (calcium voltage-gated channel subunit alpha1 G; plus strand). Cytogenetic location: 17q21.33.
Variant type: single nucleotide variant.
Coding change: c.6887G>A on transcript NM_018896.5 (MANE Select); coding-DNA position 6887, G replaced by A.
Protein change: p.Gly2296Glu; replaces glycine 2296 with glutamic acid.
Molecular consequence: missense variant. On other transcripts: non-coding transcript variant (5).
Genome position (GRCh38, 1-based): chr17:50,626,504, G>A. VCF-style: chr17-50626504-G-A. GRCh37 (hg19) VCF-style: chr17-48703865-G-A.
Other names: c.6698G>A, p.Gly2233Glu (NM_001256324.2); c.6629G>A, p.Gly2210Glu (NM_001256325.2); c.6617G>A, p.Gly2206Glu (NM_001256326.2); c.6587G>A, p.Gly2196Glu (NM_001256327.2); c.6533G>A, p.Gly2178Glu (NM_001256328.2); c.6506G>A, p.Gly2169Glu (NM_001256329.2, NM_198387.3); c.6473G>A, p.Gly2158Glu (NM_001256330.2); c.6452G>A, p.Gly2151Glu (NM_001256331.2); and 18 more; short protein forms G2090E, G2113E, G2124E, G2146E, G2151E, G2158E, G2162E, G2165E.
Identifiers: ClinVar variation 1311660 (VCV001311660.2), dbSNP rs2053834109, ClinGen allele CA400239433.
Genomic context (GRCh38, chr17:50,626,504, plus strand): 5'-ACAGCGGCTCCCAACCCCACCTGGGCACAGACCCCTCTAACCTTGGGGGCCAGCCTCTTG[G>A]GGGGCCTGGGAGCCGGCCCAAGAAAAAACTCAGCCCGCCTAGTATCACCATAGACCCCCC-3'
Protein context (NP_061496.2, residues 2286-2306): DPSNLGGQPL[Gly2296Glu]GPGSRPKKKL

ClinVar aggregate classification (germline): Uncertain significance (1 of 4 stars; one submission).

Allele frequency attached by ClinVar (database versions not stated): gnomAD 0.00001; TOPMed 0.00001.
gnomAD v4.1: 4 of 1,581,034 alleles (0.00025%); highest among the groups gnomAD compares: Non-Finnish European, 0.00034%; no homozygotes.

Submission:

GeneDx
Classification: Uncertain significance. Last evaluated: 2020-02-07. Review status: criteria provided, single submitter. Criteria: GeneDx Variant Classification Process June 2021. Collection method: clinical testing. Allele origin: germline. Affected: yes.
Comment: Not observed in large population cohorts (Lek et al., 2016); In silico analysis supports that this missense variant does not alter protein structure/function; Has not been previously published as pathogenic or benign to our knowledge